The following is an entry in ClinVar:

NM_000277.3(PAH):c.227A>G (p.Glu76Gly)

Gene: PAH (phenylalanine hydroxylase; minus strand). Cytogenetic location: 12q23.2.
Variant type: single nucleotide variant.
Coding change: c.227A>G on transcript NM_000277.3 (MANE Select); coding-DNA position 227, A replaced by G.
Protein change: p.Glu76Gly; replaces glutamic acid 76 with glycine.
Molecular consequence: missense variant.
Genome position (GRCh38, 1-based): chr12:102,894,860, T>C on the plus strand (A>G on the coding strand, the complement: PAH is on the minus strand). VCF-style: chr12-102894860-T-C. GRCh37 (hg19) VCF-style: chr12-103288638-T-C.
Other names: c.227A>G, p.Glu76Gly (NM_001354304.2); c.227A>G (NM_000277.2); short protein forms E76G.
Identifiers: ClinVar variation 639 (VCV000000639.17), dbSNP rs62507347, ClinGen allele CA114373.
Genomic context (GRCh38, chr12:102,894,860, plus strand): 5'-TTGATGATGTTTGTCAGAGCAGGCAGGCTACGTTTATCCAAATGGGTGAAAAATTCATAC[T>C]CATCTTTCTTTAAACGAGAAGGTCTAGATTCAATGTGGGTCAGGTTTACATCATTCTCCT-3'
Protein context (NP_000268.1, residues 66-86): ESRPSRLKKD[Glu76Gly]YEFFTHLDKR

ClinVar aggregate classification (germline): Pathogenic/Likely pathogenic. Review status: criteria provided, multiple submitters, no conflicts (2 of 4 stars). 6 submissions from 6 submitters: Pathogenic (2); Likely pathogenic (1). 3 of the submissions do not count toward it. Last evaluated 2024-11-27.

Conditions:
Hyperphenylalaninemia. Also called: Hyperphenylalaninaemia; Hyperphenylalaninemia (HPA); Hyperphenylalaninemia, non-pku. Identifiers: MedGen C0751435, HP:0004923.
Phenylketonuria (PKU). Also called: Phenylketonuria (PKU); Phenylketonurias; OLIGOPHRENIA PHENYLPYRUVICA; FOLLING DISEASE. Identifiers: Orphanet 716, MedGen C0031485, MONDO:0009861, OMIM 261600. Disease mechanism: loss of function.

Allele frequency attached by ClinVar (database versions not stated): gnomAD exomes below 0.00001.
gnomAD v4.1: 2 of 1,613,792 alleles (0.00012%); highest among the groups gnomAD compares: Non-Finnish European, 0.00017%; no homozygotes.

Submissions (6):

Labcorp Genetics (formerly Invitae), Labcorp
Classification: Pathogenic for Phenylketonuria. Last evaluated: 2024-11-27. Review status: criteria provided, single submitter. Criteria: Invitae Variant Classification Sherloc (09022015). Collection method: clinical testing. Allele origin: germline.
Comment: This sequence change replaces glutamic acid, which is acidic and polar, with glycine, which is neutral and non-polar, at codon 76 of the PAH protein (p.Glu76Gly). This variant is not present in population databases (gnomAD no frequency). This missense change has been observed in individual(s) with PKU, and hyperphenylalaninemia or mild hyperphenylalaninemia (PMID: 11935335, 12655546, 24401910; internal data). In at least one individual the data is consistent with being in trans (on the opposite chromosome) from a pathogenic variant. ClinVar contains an entry for this variant (Variation ID: 639). Invitae Evidence Modeling of protein sequence and biophysical properties (such as structural, functional, and spatial information, amino acid conservation, physicochemical variation, residue mobility, and thermodynamic stability) indicates that this missense variant is not expected to disrupt PAH protein function with a negative predictive value of 80%. Experimental studies have shown that this missense change affects PAH function (PMID: 17935162, 21953985). For these reasons, this variant has been classified as Pathogenic.

Natera, Inc.
Classification: Likely pathogenic for Phenylketonuria. Last evaluated: 2024-06-11. Review status: criteria provided, single submitter. Criteria: Natera Variant Classification Schema (03/2026). Collection method: clinical testing. Allele origin: germline.
Comment: The c.227A>G variant in PAH is a missense variant predicted to cause substitution of glutamic acid to glycine at amino acid 76. This variant is rare in the general population with a frequency below the threshold expected for the associated phenotype(s). This variant has been observed in one or more individuals affected with the associated recessive disease, as either homozygous or compound heterozygous with a second variant (PMID: 23690520). Functional studies show that this variant may disrupt protein function (PMID: 30037505). Given the available evidence, this variant is classified as Likely Pathogenic.

Eurofins Ntd Llc (ga)
Classification: Pathogenic. Last evaluated: 2017-07-03. Review status: criteria provided, single submitter. Criteria: EGL Classification Definitions 2015. Collection method: clinical testing. Allele origin: germline. Observed: 1 variant allele, 1 heterozygote.

Counsyl
Classification: Likely pathogenic for Phenylketonuria. Last evaluated: 2018-02-08. Review status: no assertion criteria provided. Collection method: clinical testing. Allele origin: unknown. Not counted in ClinVar's aggregate classification.

OMIM
Classification: Pathogenic for HYPERPHENYLALANINEMIA, NON-PKU. Last evaluated: 2002-03-01. Review status: no assertion criteria provided. Collection method: literature only. Allele origin: germline. Not counted in ClinVar's aggregate classification.

DeBelle Laboratory for Biochemical Genetics, MUHC/MCH RESEARCH INSTITUTE
No classification provided. Review status: no classification provided. Collection method: not provided. Allele origin: not provided. Not counted in ClinVar's aggregate classification.

Literature cited by the submitters: PubMed 11935335 (cited by 3 submitters); PubMed 12655546 (cited by Labcorp Genetics (formerly Invitae), Labcorp and Counsyl); PubMed 24401910 (cited by 3 submitters); PubMed 17935162 (cited by Labcorp Genetics (formerly Invitae), Labcorp and Eurofins Ntd Llc (ga)); PubMed 21953985 (cited by Labcorp Genetics (formerly Invitae), Labcorp and Counsyl); PubMed 23690520 (cited by Natera, Inc. and Counsyl); PubMed 30037505 (cited by Natera, Inc.); PubMed 10234516 (cited by Eurofins Ntd Llc (ga) and Counsyl); PubMed 17924342 (cited by Counsyl); PubMed 16165389 (cited by Counsyl).